The following is an entry in ClinVar:

NM_001312673.2(PCYT1A):c.281G>A (p.Arg94Gln)

Gene: PCYT1A (phosphate cytidylyltransferase 1A, choline; minus strand). Cytogenetic location: 3q29.
Variant type: single nucleotide variant.
Coding change: c.281G>A on transcript NM_001312673.2 (MANE Select); coding-DNA position 281, G replaced by A.
Protein change: p.Arg94Gln; replaces arginine 94 with glutamine.
Molecular consequence: missense variant.
Genome position (GRCh38, 1-based): chr3:196,248,260, C>T on the plus strand (G>A on the coding strand, the complement: PCYT1A is on the minus strand). VCF-style: chr3-196248260-C-T. GRCh37 (hg19) VCF-style: chr3-195975131-C-T.
Other names: c.281G>A, p.Arg94Gln (NM_005017.4); short protein forms R94Q.
Identifiers: ClinVar variation 1925592 (VCV001925592.5), dbSNP rs1724631718, ClinGen allele CA355588126.

ClinVar aggregate classification (germline): Uncertain significance (1 of 4 stars; one submission).

Allele frequency attached by ClinVar (database versions not stated): gnomAD exomes below 0.00001; gnomAD 0.00001.
gnomAD v4.1: 4 of 1,613,580 alleles (0.00025%); highest among the groups gnomAD compares: Admixed American, 0.0017%; no homozygotes.

Submission:

Labcorp Genetics (formerly Invitae), Labcorp
Classification: Uncertain significance. Last evaluated: 2022-07-05. Review status: criteria provided, single submitter. Criteria: Invitae Variant Classification Sherloc (09022015). Collection method: clinical testing. Allele origin: germline.
Comment: This variant has not been reported in the literature in individuals affected with PCYT1A-related conditions. In summary, the available evidence is currently insufficient to determine the role of this variant in disease. Therefore, it has been classified as a Variant of Uncertain Significance. Advanced modeling of protein sequence and biophysical properties (such as structural, functional, and spatial information, amino acid conservation, physicochemical variation, residue mobility, and thermodynamic stability) performed at Invitae indicates that this missense variant is expected to disrupt PCYT1A protein function. This variant is not present in population databases (gnomAD no frequency). This sequence change replaces arginine, which is basic and polar, with glutamine, which is neutral and polar, at codon 94 of the PCYT1A protein (p.Arg94Gln).